The following is an entry in ClinVar:

ClinVar aggregate classification (germline): Likely pathogenic (1 of 4 stars; one submission).

Conditions:
Glycine encephalopathy. Also called: Non-ketotic hyperglycinemia; Nonketotic hyperglycinemia. Identifiers: Orphanet 407, MedGen C0751748, MONDO:0011612, HP:0008288.

Submission:

Labcorp Genetics (formerly Invitae), Labcorp
Classification: Likely pathogenic for Glycine encephalopathy. Last evaluated: 2022-03-09. Review status: criteria provided, single submitter. Criteria: Invitae Variant Classification Sherloc (09022015). Collection method: clinical testing. Allele origin: germline.
Comment: In summary, the currently available evidence indicates that the variant is pathogenic, but additional data are needed to prove that conclusively. Therefore, this variant has been classified as Likely Pathogenic. Algorithms developed to predict the effect of sequence changes on RNA splicing suggest that this variant may disrupt the consensus splice site. This variant has not been reported in the literature in individuals affected with GLDC-related conditions. This variant is not present in population databases (gnomAD no frequency). This sequence change affects an acceptor splice site in intron 17 of the GLDC gene. It is expected to disrupt RNA splicing. Variants that disrupt the donor or acceptor splice site typically lead to a loss of protein function (PMID: 16199547), and loss-of-function variants in GLDC are known to be pathogenic (PMID: 16601880).

Literature cited by the submitters: PubMed 16199547; PubMed 16601880.

NM_000170.3(GLDC):c.2053-2A>C

Gene: GLDC (glycine decarboxylase; minus strand). Cytogenetic location: 9p24.1.
Variant type: single nucleotide variant.
Coding change: c.2053-2A>C on transcript NM_000170.3 (MANE Select); the canonical splice acceptor site of the intron before coding-DNA position 2053, A replaced by C.
Molecular consequence: splice acceptor variant.
Genome position (GRCh38, 1-based): chr9:6,556,304, T>G on the plus strand (A>C on the coding strand, the complement: GLDC is on the minus strand). VCF-style: chr9-6556304-T-G. GRCh37 (hg19) VCF-style: chr9-6556304-T-G.
Identifiers: ClinVar variation 1489808 (VCV001489808.8), dbSNP rs1323060528, ClinGen allele CA372881479.